The following is an entry in ClinVar:

NM_001277115.2(DNAH11):c.10063T>C (p.Phe3355Leu)

Gene: DNAH11 (dynein axonemal heavy chain 11; plus strand). Cytogenetic location: 7p15.3.
Variant type: single nucleotide variant.
Coding change: c.10063T>C on transcript NM_001277115.2 (MANE Select); coding-DNA position 10063, T replaced by C.
Protein change: p.Phe3355Leu; replaces phenylalanine 3355 with leucine.
Molecular consequence: missense variant.
Genome position (GRCh38, 1-based): chr7:21,801,173, T>C. VCF-style: chr7-21801173-T-C. GRCh37 (hg19) VCF-style: chr7-21840791-T-C.
Other names: c.10084T>C, p.Phe3362Leu (NM_003777.3); short protein forms F3355L, F3362L.
Identifiers: ClinVar variation 1783415 (VCV001783415.2), dbSNP rs2535310450, ClinGen allele CA366943789.
Genomic context (GRCh38, chr7:21,801,173, plus strand): 5'-AAAGTTAATTCAACTCTGATTCAGGATCTGGATCGAAATCTGAGCAGACTCACGGCTTCA[T>C]TTGAAAAAGCAACAGCTGAGAAAGTCCGGTGTCAAGAAGAGGTGAACCAAACCAACAAAA-3'
Protein context (NP_001264044.1, residues 3345-3365): DRNLSRLTAS[Phe3355Leu]EKATAEKVRC

ClinVar aggregate classification (germline): Uncertain significance (1 of 4 stars; one submission).

Conditions:
Primary ciliary dyskinesia. Also called: Ciliary dyskinesia. Identifiers: Orphanet 244, MedGen C0008780, MONDO:0016575, HP:0012265.

Submission:

Ambry Genetics
Classification: Uncertain significance for Primary ciliary dyskinesia. Last evaluated: 2022-04-19. Review status: criteria provided, single submitter. Criteria: Ambry Variant Classification Scheme 2023. Collection method: clinical testing. Allele origin: germline.
Comment: The p.F3355L variant (also known as c.10063T>C), located in coding exon 62 of the DNAH11 gene, results from a T to C substitution at nucleotide position 10063. The phenylalanine at codon 3355 is replaced by leucine, an amino acid with highly similar properties. This amino acid position is conserved. In addition, this alteration is predicted to be tolerated by in silico analysis. Since supporting evidence is limited at this time, the clinical significance of this alteration remains unclear.